The following is an entry in ClinVar:

ClinVar aggregate classification (germline): Pathogenic (1 of 4 stars; one submission).

Submission:

CeGaT Center for Human Genetics Tuebingen
Classification: Pathogenic. Last evaluated: 2023-01-01. Review status: criteria provided, single submitter. Criteria: CeGaT Center For Human Genetics Tuebingen Variant Classification Criteria Version 2. Collection method: clinical testing. Allele origin: germline. Affected: yes. Observed: 1 variant allele.
Comment: PRR12: PVS1, PM2, PS2:Moderate

NM_020719.3(PRR12):c.1570del (p.Leu524fs)

Gene: PRR12 (proline rich 12; plus strand). Cytogenetic location: 19q13.33.
Variant type: Deletion.
Coding change: c.1570del on transcript NM_020719.3 (MANE Select); coding-DNA position 1570, one base deleted (C; older notation c.1570delC).
Protein change: p.Leu524fs; shifts the reading frame from leucine 524.
Molecular consequence: frameshift variant.
Genome position (GRCh38, 1-based): chr19:49,595,905, C deleted. VCF-style (leftmost placement, unchanged base first): chr19-49595904-GC-G. GRCh37 (hg19) VCF-style: chr19-50099161-GC-G.
Other names: short protein forms L524fs.
Identifiers: ClinVar variation 2498790 (VCV002498790.28), dbSNP rs2514271351, ClinGen allele CA2580097562.